The following is an entry in ClinVar:

NM_001851.6(COL9A1):c.998C>A (p.Ser333Tyr)

Gene: COL9A1 (collagen type IX alpha 1 chain; minus strand). Cytogenetic location: 6q13.
Variant type: single nucleotide variant.
Coding change: c.998C>A on transcript NM_001851.6 (MANE Select); coding-DNA position 998, C replaced by A.
Protein change: p.Ser333Tyr; replaces serine 333 with tyrosine.
Molecular consequence: missense variant. On other transcripts: non-coding transcript variant (1).
Genome position (GRCh38, 1-based): chr6:70,274,750, G>T on the plus strand (C>A on the coding strand, the complement: COL9A1 is on the minus strand). VCF-style: chr6-70274750-G-T. GRCh37 (hg19) VCF-style: chr6-70984453-G-T.
Other names: c.269C>A, p.Ser90Tyr (NM_001377289.1, NM_001377290.1, NM_078485.4); c.998C>A (NM_001851.4); short protein forms S90Y, S333Y.
Identifiers: ClinVar variation 2087138 (VCV002087138.5), dbSNP rs142602248, ClinGen allele CA140818220.

ClinVar aggregate classification (germline): Uncertain significance. Review status: criteria provided, multiple submitters, no conflicts (2 of 4 stars). 2 submissions from 2 submitters: Uncertain significance (2). Last evaluated 2025-08-14.

Conditions:
Inborn genetic diseases. Identifiers: MedGen C0950123, MeSH D030342.

Allele frequency attached by ClinVar (database versions not stated): gnomAD exomes below 0.00001; TOPMed below 0.00001; ESP Exome Variant Server 0.00008.
gnomAD v4.1: 4 of 1,612,748 alleles (0.00025%); highest among the groups gnomAD compares: East Asian, 0.0022%; no homozygotes.

Submissions (2):

Ambry Genetics
Classification: Uncertain significance for Inborn genetic diseases. Last evaluated: 2025-08-14. Review status: criteria provided, single submitter. Criteria: Ambry Variant Classification Scheme 2023. Collection method: clinical testing. Allele origin: germline.

Labcorp Genetics (formerly Invitae), Labcorp
Classification: Uncertain significance. Last evaluated: 2022-04-23. Review status: criteria provided, single submitter. Criteria: Invitae Variant Classification Sherloc (09022015). Collection method: clinical testing. Allele origin: germline.
Comment: In summary, the available evidence is currently insufficient to determine the role of this variant in disease. Therefore, it has been classified as a Variant of Uncertain Significance. Advanced modeling of protein sequence and biophysical properties (such as structural, functional, and spatial information, amino acid conservation, physicochemical variation, residue mobility, and thermodynamic stability) performed at Invitae indicates that this missense variant is not expected to disrupt COL9A1 protein function. This variant has not been reported in the literature in individuals affected with COL9A1-related conditions. This variant is present in population databases (rs142602248, gnomAD 0.006%). This sequence change replaces serine, which is neutral and polar, with tyrosine, which is neutral and polar, at codon 333 of the COL9A1 protein (p.Ser333Tyr).